The following is an entry in ClinVar:

ClinVar aggregate classification (germline): Uncertain significance (1 of 4 stars; one submission).

Conditions:
Frontotemporal dementia and/or amyotrophic lateral sclerosis 6 (FTDALS6). Also called: VCP-Related Amyotrophic Lateral Sclerosis; VCP-Related Amyotrophic Lateral Sclerosis/Frontotemporal Dementia. Identifiers: Orphanet 275872, Orphanet 803, MedGen C5436279, MONDO:0013501, OMIM 613954.
Inclusion body myopathy with Paget disease of bone and frontotemporal dementia. Also called: Inclusion body myopathy with early-onset Paget disease and frontotemporal dementia. Identifiers: Orphanet 52430, MedGen C1833662, MONDO:0000507.

Submission:

Labcorp Genetics (formerly Invitae), Labcorp
Classification: Uncertain significance for Inclusion body myopathy with Paget disease of bone and frontotemporal dementia; Frontotemporal dementia and/or amyotrophic lateral sclerosis 6. Last evaluated: 2021-10-28. Review status: criteria provided, single submitter. Criteria: Invitae Variant Classification Sherloc (09022015). Collection method: clinical testing. Allele origin: germline.
Comment: This sequence change replaces arginine, which is basic and polar, with cysteine, which is neutral and slightly polar, at codon 745 of the VCP protein (p.Arg745Cys). This variant is not present in population databases (gnomAD no frequency). This missense change has been observed in individual(s) with amyotrophic lateral sclerosis (Invitae). Algorithms developed to predict the effect of missense changes on protein structure and function are either unavailable or do not agree on the potential impact of this missense change (SIFT: "Not Available"; PolyPhen-2: "Probably Damaging"; Align-GVGD: "Not Available"). In summary, the available evidence is currently insufficient to determine the role of this variant in disease. Therefore, it has been classified as a Variant of Uncertain Significance.

NM_007126.5(VCP):c.2233C>T (p.Arg745Cys)

Gene: VCP (valosin containing protein; minus strand). Cytogenetic location: 9p13.3.
Variant type: single nucleotide variant.
Coding change: c.2233C>T on transcript NM_007126.5 (MANE Select); coding-DNA position 2233, C replaced by T.
Protein change: p.Arg745Cys; replaces arginine 745 with cysteine.
Molecular consequence: missense variant.
Genome position (GRCh38, 1-based): chr9:35,057,458, G>A on the plus strand (C>T on the coding strand, the complement: VCP is on the minus strand). VCF-style: chr9-35057458-G-A. GRCh37 (hg19) VCF-style: chr9-35057455-G-A.
Other names: c.2098C>T, p.Arg700Cys (NM_001354927.2, NM_001354928.2); short protein forms R700C, R745C.
Identifiers: ClinVar variation 1349844 (VCV001349844.6), dbSNP rs2131026595, ClinGen allele CA373269751.
Genomic context (GRCh38, chr9:35,057,458, plus strand): 5'-TCTGCTGAAGGGTCTGGGCAAACATCTCATACTTCCGAATGTCATTGTCACTGACAGAAC[G>A]GCGCGCAAAGCGCATGGCTTCTTCAAAGTGATCTCGACGGATCTCAGGCACTGGATCATC-3'
Protein context (NP_009057.1, residues 735-755): HFEEAMRFAR[Arg745Cys]SVSDNDIRKY